The following is an entry in ClinVar:

ClinVar aggregate classification (germline): Benign/Likely benign. Review status: criteria provided, multiple submitters, no conflicts (2 of 4 stars). 2 submissions from 2 submitters: Benign (1); Likely benign (1). Last evaluated 2025-06-02.

Conditions:
Hereditary cancer-predisposing syndrome. Also called: Hereditary Cancer Syndrome; Tumor predisposition; Neoplastic Syndromes, Hereditary; Hereditary neoplastic syndrome. Identifiers: Orphanet 140162, MedGen C0027672, MeSH D009386, MONDO:0015356.
Tuberous sclerosis 2 (TSC2). Identifiers: Orphanet 805, MedGen C1860707, MONDO:0013199, OMIM 613254.

Submissions (2):

Myriad Genetics, Inc.
Classification: Benign for Tuberous sclerosis 2. Last evaluated: 2025-06-02. Review status: criteria provided, single submitter. Criteria: Myriad Autosomal Dominant, Autosomal Recessive and X-Linked Classification Criteria (2023). Collection method: clinical testing. Allele origin: unknown.
Comment: This variant is considered benign. This variant is a silent/synonymous amino acid change and it is not expected to impact splicing.

Ambry Genetics
Classification: Likely benign for Hereditary cancer-predisposing syndrome. Last evaluated: 2024-02-02. Review status: criteria provided, single submitter. Criteria: Ambry Variant Classification Scheme 2023. Collection method: clinical testing. Allele origin: germline.

NM_000548.5(TSC2):c.3921G>A (p.Glu1307=)

Gene: TSC2 (TSC complex subunit 2; plus strand). Cytogenetic location: 16p13.3.
Variant type: single nucleotide variant.
Coding change: c.3921G>A on transcript NM_000548.5 (MANE Select); coding-DNA position 3921, G replaced by A.
Protein change: p.Glu1307=; no amino-acid change (glutamic acid 1307 retained).
Molecular consequence: synonymous variant. On other transcripts: non-coding transcript variant (5).
Genome position (GRCh38, 1-based): chr16:2,083,732, G>A. VCF-style: chr16-2083732-G-A. GRCh37 (hg19) VCF-style: chr16-2133733-G-A.
Other names: c.3792G>A, p.Glu1264= (NM_021055.3, NM_001370405.1); c.2379G>A, p.Glu793= (NM_001406693.1, NM_001406694.1, NM_001406692.1); c.2376G>A, p.Glu792= (NM_001406695.1, NM_001406696.1, NM_001406697.1); c.2118G>A, p.Glu706= (NM_001406698.1); c.3720G>A, p.Glu1240= (NM_001077183.3); c.3852G>A, p.Glu1284= (NM_001114382.3); c.3612G>A, p.Glu1204= (NM_001318827.2); c.3576G>A, p.Glu1192= (NM_001318829.2); and 26 more.
Identifiers: ClinVar variation 3232156 (VCV003232156.2), dbSNP rs2090421407, ClinGen allele CA492956212.
Genomic context (GRCh38, chr16:2,083,732, plus strand): 5'-CAGCCCCGTCTGTGTCCTCCCAGACTCCGCCGTGGTCATGGAGGAGGGAAGTCCGGGCGA[G>A]GTTCCTGTGCTGGTGGAGCCCCCAGGGTTGGAGGACGTTGAGGCAGCGCTAGGCATGGAC-3'
Protein context (NP_000539.2, residues 1297-1317): AVVMEEGSPG[Glu1307=]VPVLVEPPGL